The following is an entry in ClinVar:

ClinVar aggregate classification (germline): Likely pathogenic (1 of 4 stars; one submission).

Conditions:
alpha Thalassemia. Also called: Alpha thalassemia spectrum. Identifiers: Orphanet 846, MedGen C0002312, MONDO:0011399, OMIM 604131.

Submission:

Natera, Inc.
Classification: Likely pathogenic for Alpha thalassemia. Last evaluated: 2025-10-07. Review status: criteria provided, single submitter. Criteria: Natera Variant Classification Schema (03/2026). Collection method: clinical testing. Allele origin: germline.
Comment: The c.121A>T variant in HBA1 is a nonsense variant predicted to introduce a stop codon at amino acid 41. This variant is expected to result in nonsense mediated decay, truncation, or a dysfunctional protein product. This variant is rare in the general population with a frequency below the threshold expected for the associated phenotype(s). Given the available evidence, this variant is classified as Likely Pathogenic.

NM_000558.5(HBA1):c.121A>T (p.Lys41Ter)

Genes: HBA1 (hemoglobin subunit alpha 1; plus strand), LOC106804613 (hemoglobin subunit alpha 1 recombination region; plus strand). Cytogenetic location: 16p13.3.
Variant type: single nucleotide variant.
Coding change: c.121A>T on transcript NM_000558.5 (MANE Select); coding-DNA position 121, A replaced by T.
Protein change: p.Lys41Ter; replaces lysine 41 with a stop codon.
Molecular consequence: nonsense.
Genome position (GRCh38, 1-based): chr16:176,954, A>T. VCF-style: chr16-176954-A-T. GRCh37 (hg19) VCF-style: chr16-226953-A-T.
Other names: short protein forms K41*.
Identifiers: ClinVar variation 4814367 (VCV004814367.1).